The following is an entry in ClinVar:

NM_170606.3(KMT2C):c.8459A>G (p.Asn2820Ser)

Gene: KMT2C (lysine methyltransferase 2C; minus strand). Cytogenetic location: 7q36.1.
Variant type: single nucleotide variant.
Coding change: c.8459A>G on transcript NM_170606.3 (MANE Select); coding-DNA position 8459, A replaced by G.
Protein change: p.Asn2820Ser; replaces asparagine 2820 with serine.
Molecular consequence: missense variant.
Genome position (GRCh38, 1-based): chr7:152,176,994, T>C on the plus strand (A>G on the coding strand, the complement: KMT2C is on the minus strand). VCF-style: chr7-152176994-T-C. GRCh37 (hg19) VCF-style: chr7-151874079-T-C.
Other names: c.8459A>G (NM_170606.2); short protein forms N2820S.
Identifiers: ClinVar variation 134771 (VCV000134771.9), dbSNP rs587778500, ClinGen allele CA160713.
Genomic context (GRCh38, chr7:152,176,994, plus strand): 5'-TCAGTTTCACATTTGGATTCCACCTTAGAATTTGGAGACAGTACTTCCGTTTTTACCTCA[T>C]TGGTAACAGTGGATTTTTTCTGTGGTGAATGTTTATCAGAGAGAACCAGAGTTTTGTTTT-3'
Protein context (NP_733751.2, residues 2810-2830): HSPQKKSTVT[Asn2820Ser]EVKTEVLSPN

ClinVar aggregate classification (germline): Likely benign. Review status: criteria provided, multiple submitters, no conflicts (2 of 4 stars). 4 submissions from 4 submitters: Likely benign (2). 2 of the submissions do not count toward it. Last evaluated 2023-02-01.

Conditions:
Inborn genetic diseases. Identifiers: MedGen C0950123, MeSH D030342.
KMT2C-related disorder. Also called: KMT2C-related condition; KMT2C-related disorders.

Allele frequency attached by ClinVar (database versions not stated): gnomAD 0.00001.
gnomAD v4.1: 20 of 1,613,958 alleles (0.0012%); highest among the groups gnomAD compares: Middle Eastern, 0.016%; no homozygotes.

Submissions (4):

Labcorp Genetics (formerly Invitae), Labcorp
Classification: Likely benign. Last evaluated: 2023-02-01. Review status: criteria provided, single submitter. Criteria: Invitae Variant Classification Sherloc (09022015). Collection method: clinical testing. Allele origin: germline.

Ambry Genetics
Classification: Likely benign for Inborn genetic diseases. Last evaluated: 2021-10-13. Review status: criteria provided, single submitter. Criteria: Ambry Variant Classification Scheme 2023. Collection method: clinical testing. Allele origin: germline.

PreventionGenetics, part of Exact Sciences
Classification: Likely benign for KMT2C-related condition. Last evaluated: 2024-01-27. Review status: no assertion criteria provided. Collection method: clinical testing. Allele origin: germline. Not counted in ClinVar's aggregate classification.
Comment: This variant is classified as likely benign based on ACMG/AMP sequence variant interpretation guidelines (Richards et al. 2015 PMID: 25741868, with internal and published modifications).

ITMI
No classification provided. Condition: AllHighlyPenetrant. Last evaluated: 2013-09-19. Review status: no classification provided. Collection method: reference population. Allele origin: germline. Not counted in ClinVar's aggregate classification.
Comment: Please see associated publication for description of ethnicities

Literature cited by the submitters: PubMed 24728327 (cited by ITMI).